The following is an entry in ClinVar:

ClinVar aggregate classification (germline): Likely pathogenic (1 of 4 stars; one submission).

Conditions:
Neurofibromatosis, type 1 (NF1). Also called: Neurofibromatosis, type I; NEUROFIBROMATOSIS, TYPE I, SOMATIC; VON RECKLINGHAUSEN DISEASE; Peripheral type neurofibromatosis. Identifiers: Orphanet 636, MedGen C0027831, MONDO:0018975, OMIM 162200. Disease mechanism: loss of function.

Submission:

Dr. med. U. Finckh, Human Genetics, Eurofins MVZ
Classification: Likely pathogenic for Neurofibromatosis, type 1. Last evaluated: 2022-07-05. Review status: criteria provided, single submitter. Criteria: ACMG Guidelines, 2015. Collection method: clinical testing. Allele origin: germline. Affected: yes. Observed: 1 heterozygote.

NM_001042492.3(NF1):c.3695_3696delinsA (p.Pro1232fs)

Gene: NF1 (neurofibromin 1; plus strand). Cytogenetic location: 17q11.2.
Variant type: Indel.
Coding change: c.3695_3696delinsA on transcript NM_001042492.3 (MANE Select); coding-DNA positions 3695 to 3696, CT replaced by A.
Protein change: p.Pro1232fs; shifts the reading frame from proline 1232.
Molecular consequence: frameshift variant.
Genome position (GRCh38, 1-based): chr17:31,233,200-31,233,201, CT replaced by A. VCF-style: chr17-31233200-CT-A. GRCh37 (hg19) VCF-style: chr17-29560218-CT-A.
Other names: c.3695_3696delCTinsA, p.Pro1232Hisfs (NM_000267.4); short protein forms P1232fs.
Identifiers: ClinVar variation 2580960 (VCV002580960.1), dbSNP rs2508241183, ClinGen allele CA2580618196.
Genomic context (GRCh38, chr17:31,233,200, plus strand): 5'-TCACAATGATGGGTGATCAAGGAGAACTCCCTATAGCGATGGCTCTGGCCAATGTGGTTC[CT>A]TGTTCTCAGTGGGTAAGTGATTAGAGTAAGCGGGGAAGAAAAGTGCCTGGCACATAGCAA-3'